The following is an entry in ClinVar:

ClinVar aggregate classification (germline): Uncertain significance (1 of 4 stars; one submission).

Conditions:
Pierson syndrome. Also called: MICROCORIA-CONGENITAL NEPHROTIC SYNDROME. Identifiers: Orphanet 2670, MedGen C1836876, MONDO:0012184, OMIM 609049.
LAMB2-related infantile-onset nephrotic syndrome. Also called: Nephrotic Syndrome, type 5; NEPHROTIC SYNDROME, TYPE 5, WITHOUT OCULAR ABNORMALITIES; NEPHROTIC SYNDROME, TYPE 5, WITH OCULAR ABNORMALITIES. Identifiers: Orphanet 306507, MedGen C3280113, MONDO:0013621, OMIM 614199.

Allele frequency attached by ClinVar (database versions not stated): gnomAD 0.00001; ExAC 0.00002; gnomAD exomes 0.00002; TOPMed 0.00002.
gnomAD v4.1: 26 of 1,613,392 alleles (0.0016%); highest among the groups gnomAD compares: East Asian, 0.0089%; no homozygotes.

Submission:

Labcorp Genetics (formerly Invitae), Labcorp
Classification: Uncertain significance for LAMB2-related infantile-onset nephrotic syndrome; Pierson syndrome. Last evaluated: 2022-01-22. Review status: criteria provided, single submitter. Criteria: Invitae Variant Classification Sherloc (09022015). Collection method: clinical testing. Allele origin: germline.
Comment: In summary, the available evidence is currently insufficient to determine the role of this variant in disease. Therefore, it has been classified as a Variant of Uncertain Significance. Algorithms developed to predict the effect of missense changes on protein structure and function (SIFT, PolyPhen-2, Align-GVGD) all suggest that this variant is likely to be disruptive. This variant has not been reported in the literature in individuals affected with LAMB2-related conditions. This variant is present in population databases (rs772833487, gnomAD 0.02%). This sequence change replaces arginine, which is basic and polar, with cysteine, which is neutral and slightly polar, at codon 164 of the LAMB2 protein (p.Arg164Cys).

NM_002292.4(LAMB2):c.490C>T (p.Arg164Cys)

Gene: LAMB2 (laminin subunit beta 2; minus strand). Cytogenetic location: 3p21.31.
Variant type: single nucleotide variant.
Coding change: c.490C>T on transcript NM_002292.4 (MANE Select); coding-DNA position 490, C replaced by T.
Protein change: p.Arg164Cys; replaces arginine 164 with cysteine.
Molecular consequence: missense variant.
Genome position (GRCh38, 1-based): chr3:49,131,693, G>A on the plus strand (C>T on the coding strand, the complement: LAMB2 is on the minus strand). VCF-style: chr3-49131693-G-A. GRCh37 (hg19) VCF-style: chr3-49169126-G-A.
Other names: short protein forms R164C.
Identifiers: ClinVar variation 2147025 (VCV002147025.4), dbSNP rs772833487, ClinGen allele CA2394903.
Genomic context (GRCh38, chr3:49,131,693, plus strand): 5'-CCCCACAGTCATAGGAGAAATATCGGTACACATGCCAGGTGCGGCCAAAGTCTGCTGAGC[G>A]TTCCACCAGCATGGCAGCAGGGCGAAATGTCTGGGTAGGGGGGCATAGCTGATCAGCAGG-3'
Protein context (NP_002283.3, residues 154-174): TFRPAAMLVE[Arg164Cys]SADFGRTWHV